The following is an entry in ClinVar:

NM_000090.4(COL3A1):c.1389A>C (p.Glu463Asp)

Gene: COL3A1 (collagen type III alpha 1 chain; plus strand). Cytogenetic location: 2q32.2.
Variant type: single nucleotide variant.
Coding change: c.1389A>C on transcript NM_000090.4 (MANE Select); coding-DNA position 1389, A replaced by C.
Protein change: p.Glu463Asp; replaces glutamic acid 463 with aspartic acid.
Molecular consequence: missense variant.
Genome position (GRCh38, 1-based): chr2:188,994,765, A>C. VCF-style: chr2-188994765-A-C. GRCh37 (hg19) VCF-style: chr2-189859491-A-C.
Other names: short protein forms E463D.
Identifiers: ClinVar variation 3010571 (VCV003010571.3), dbSNP rs2469130212, ClinGen allele CA349851815.

ClinVar aggregate classification (germline): Uncertain significance (1 of 4 stars; one submission).

Conditions:
Ehlers-Danlos syndrome, type 4 (EDSVASC). Also called: Ehlers-Danlos syndrome vascular type; Ehlers Danlos syndrome, ecchymotic type; Ehlers Danlos syndrome, arterial type; Ehlers Danlos syndrome, Sack-Barabas type; Ehlers-Danlos Syndrome Type IV. Identifiers: Orphanet 286, MedGen C0268338, MONDO:0017314, OMIM 130050.

Submission:

Labcorp Genetics (formerly Invitae), Labcorp
Classification: Uncertain significance for Ehlers-Danlos syndrome, type 4. Last evaluated: 2023-12-12. Review status: criteria provided, single submitter. Criteria: Invitae Variant Classification Sherloc (09022015). Collection method: clinical testing. Allele origin: germline.
Comment: This sequence change replaces glutamic acid, which is acidic and polar, with aspartic acid, which is acidic and polar, at codon 463 of the COL3A1 protein (p.Glu463Asp). This variant is not present in population databases (gnomAD no frequency). This variant has not been reported in the literature in individuals affected with COL3A1-related conditions. Advanced modeling of protein sequence and biophysical properties (such as structural, functional, and spatial information, amino acid conservation, physicochemical variation, residue mobility, and thermodynamic stability) performed at Invitae indicates that this missense variant is not expected to disrupt COL3A1 protein function with a negative predictive value of 95%. In summary, the available evidence is currently insufficient to determine the role of this variant in disease. Therefore, it has been classified as a Variant of Uncertain Significance.